The following is an entry in ClinVar:

NM_014140.4(SMARCAL1):c.2778G>A (p.Leu926=)

Gene: SMARCAL1 (SNF2 related chromatin remodeling annealing helicase 1; plus strand). Cytogenetic location: 2q35.
Variant type: single nucleotide variant.
Coding change: c.2778G>A on transcript NM_014140.4 (MANE Select); coding-DNA position 2778, G replaced by A.
Protein change: p.Leu926=; no amino-acid change (leucine 926 retained).
Molecular consequence: synonymous variant.
Genome position (GRCh38, 1-based): chr2:216,482,890, G>A. VCF-style: chr2-216482890-G-A. GRCh37 (hg19) VCF-style: chr2-217347613-G-A.
Other names: p.Leu926=; c.2778G>A, p.Leu926= (NM_001127207.2); c.2778G>A (NM_014140.3).
Identifiers: ClinVar variation 282339 (VCV000282339.16), dbSNP rs373335368, ClinGen allele CA2098302.

ClinVar aggregate classification (germline): Conflicting classifications of pathogenicity. Review status: criteria provided, conflicting classifications (1 of 4 stars). 4 submissions from 4 submitters: Uncertain significance (1); Likely benign (2). 1 of the submissions does not count toward it. Last evaluated 2025-11-26.

Conditions:
SMARCAL1-related disorder. Also called: SMARCAL1-related condition.
Schimke immuno-osseous dysplasia (SIOD). Also called: Schimke Immunoosseous Dysplasia. Identifiers: Orphanet 1830, MedGen C0877024, MONDO:0009458, OMIM 242900.

Allele frequency attached by ClinVar (database versions not stated): ExAC 0.00001; gnomAD exomes 0.00001; gnomAD 0.00002; TOPMed 0.00003; ESP Exome Variant Server 0.00008.
gnomAD v4.1: 18 of 1,614,032 alleles (0.0011%); highest among the groups gnomAD compares: African/African-American, 0.0027%; no homozygotes.

Submissions (4):

Mayo Clinic Laboratories, Mayo Clinic
Classification: Likely benign. Last evaluated: 2025-11-26. Review status: criteria provided, single submitter. Criteria: ACMG Guidelines, 2015. Collection method: clinical testing. Allele origin: germline. Observed: 1 variant allele.
Comment: BP4, BP7

Labcorp Genetics (formerly Invitae), Labcorp
Classification: Likely benign for Schimke immuno-osseous dysplasia. Last evaluated: 2025-09-16. Review status: criteria provided, single submitter. Criteria: Invitae Variant Classification Sherloc (09022015). Collection method: clinical testing. Allele origin: germline.

Eurofins Ntd Llc (ga)
Classification: Uncertain significance. Last evaluated: 2015-08-04. Review status: criteria provided, single submitter. Criteria: EGL Classification Definitions 2015. Collection method: clinical testing. Allele origin: germline. Observed: 1 variant allele, 1 heterozygote.

PreventionGenetics, part of Exact Sciences
Classification: Likely benign for SMARCAL1-related condition. Last evaluated: 2022-12-20. Review status: no assertion criteria provided. Collection method: clinical testing. Allele origin: germline. Not counted in ClinVar's aggregate classification.
Comment: This variant is classified as likely benign based on ACMG/AMP sequence variant interpretation guidelines (Richards et al. 2015 PMID: 25741868, with internal and published modifications).